The following is an entry in ClinVar:

NM_001371928.1(AHDC1):c.3164G>A (p.Arg1055His)

Gene: AHDC1 (AT-hook DNA binding motif containing 1; minus strand). Cytogenetic location: 1p36.11.
Variant type: single nucleotide variant.
Coding change: c.3164G>A on transcript NM_001371928.1 (MANE Select); coding-DNA position 3164, G replaced by A.
Protein change: p.Arg1055His; replaces arginine 1055 with histidine.
Molecular consequence: missense variant.
Genome position (GRCh38, 1-based): chr1:27,548,952, C>T on the plus strand (G>A on the coding strand, the complement: AHDC1 is on the minus strand). VCF-style: chr1-27548952-C-T. GRCh37 (hg19) VCF-style: chr1-27875463-C-T.
Other names: c.3164G>A, p.Arg1055His (NM_001029882.3); short protein forms R1055H.
Identifiers: ClinVar variation 1353747 (VCV001353747.8), dbSNP rs780451718, ClinGen allele CA715609.

ClinVar aggregate classification (germline): Uncertain significance (1 of 4 stars; one submission).

Allele frequency attached by ClinVar (database versions not stated): gnomAD 0.00001; gnomAD exomes 0.00001 and 0.00007; TOPMed 0.00001; ExAC 0.00002.

Submission:

Labcorp Genetics (formerly Invitae), Labcorp
Classification: Uncertain significance. Last evaluated: 2025-07-02. Review status: criteria provided, single submitter. Criteria: Invitae Variant Classification Sherloc (09022015). Collection method: clinical testing. Allele origin: germline.
Comment: This sequence change replaces arginine, which is basic and polar, with histidine, which is basic and polar, at codon 1055 of the AHDC1 protein (p.Arg1055His). This variant is present in population databases (rs780451718, gnomAD 0.008%). This variant has not been reported in the literature in individuals affected with AHDC1-related conditions. ClinVar contains an entry for this variant (Variation ID: 1353747). An algorithm developed to predict the effect of missense changes on protein structure and function (PolyPhen-2) suggests that this variant is likely to be disruptive. In summary, the available evidence is currently insufficient to determine the role of this variant in disease. Therefore, it has been classified as a Variant of Uncertain Significance.